The following is an entry in ClinVar:

ClinVar aggregate classification (germline): Pathogenic (1 of 4 stars; one submission).

Conditions:
Alzheimer disease 3 (AD3). Also called: ALZHEIMER DISEASE, FAMILIAL, 3. Identifiers: Orphanet 1020, MedGen C1843013, MONDO:0011913, OMIM 607822.
Frontotemporal dementia (FTD1). Also called: MULTIPLE SYSTEM TAUOPATHY WITH PRESENILE DEMENTIA; FRONTOTEMPORAL LOBAR DEGENERATION WITH TAU INCLUSIONS; FTLD WITH TAU INCLUSIONS; Frontotemporal Dementia with Parkinsonism-17 (FTDP-17); Frontotemporal lobe dementia (FLDEM); FRONTOTEMPORAL DEMENTIA WITH PARKINSONISM. Identifiers: Orphanet 282, MedGen C0338451, MONDO:0017276, OMIM 600274, HP:0002145.
Pick disease. Also called: LOBAR ATROPHY OF BRAIN; DEMENTIA WITH LOBAR ATROPHY AND NEURONAL CYTOPLASMIC INCLUSIONS; Pick Disease of the Brain; PICK DISEASE OF BRAIN; Pick's disease. Identifiers: Orphanet 282, MedGen C0236642, MONDO:0008243, OMIM 172700.
Acne inversa, familial, 3 (ACNINV3). Identifiers: MedGen C3151038, MONDO:0013398, OMIM 613737.

Submission:

Labcorp Genetics (formerly Invitae), Labcorp
Classification: Pathogenic for Alzheimer disease 3; Pick disease; Acne inversa, familial, 3; Frontotemporal dementia. Last evaluated: 2021-07-21. Review status: criteria provided, single submitter. Criteria: Invitae Variant Classification Sherloc (09022015). Collection method: clinical testing. Allele origin: germline.
Comment: Advanced modeling of protein sequence and biophysical properties (such as structural, functional, and spatial information, amino acid conservation, physicochemical variation, residue mobility, and thermodynamic stability) performed at Invitae indicates that this missense variant is expected to disrupt PSEN1 protein function. This variant disrupts the p.Glu280 amino acid residue in PSEN1. Other variant(s) that disrupt this residue have been determined to be pathogenic (PMID: 7550356, 22461631, 22766738, 24217025, 25471389, 27930341). This suggests that this residue is clinically significant, and that variants that disrupt this residue are likely to be disease-causing. This variant has been observed in individual(s) with Alzheimer disease (PMID: 26396515, 33188256). It has also been observed to segregate with disease in related individuals. This variant is not present in population databases (ExAC no frequency). This sequence change replaces glutamic acid with lysine at codon 280 of the PSEN1 protein (p.Glu280Lys). The glutamic acid residue is highly conserved and there is a small physicochemical difference between glutamic acid and lysine. For these reasons, this variant has been classified as Pathogenic.

Literature cited by the submitters: PubMed 7550356; PubMed 22461631; PubMed 22766738; PubMed 24217025; PubMed 25471389; PubMed 27930341; PubMed 26396515; PubMed 33188256.

NM_000021.4(PSEN1):c.838G>A (p.Glu280Lys)

Gene: PSEN1 (presenilin 1; plus strand). Cytogenetic location: 14q24.2.
Variant type: single nucleotide variant.
Coding change: c.838G>A on transcript NM_000021.4 (MANE Select); coding-DNA position 838, G replaced by A.
Protein change: p.Glu280Lys; replaces glutamic acid 280 with lysine.
Molecular consequence: missense variant.
Genome position (GRCh38, 1-based): chr14:73,198,099, G>A. VCF-style: chr14-73198099-G-A. GRCh37 (hg19) VCF-style: chr14-73664807-G-A.
Other names: c.826G>A, p.Glu276Lys (NM_007318.3); short protein forms E276K, E280K.
Identifiers: ClinVar variation 1458372 (VCV001458372.8), dbSNP rs2140105309, ClinGen allele CA390302176.